The following is an entry in ClinVar:

NM_001355436.2(SPTB):c.4063G>T (p.Glu1355Ter)

Gene: SPTB (spectrin beta, erythrocytic; minus strand). Cytogenetic location: 14q23.3.
Variant type: single nucleotide variant.
Coding change: c.4063G>T on transcript NM_001355436.2 (MANE Select); coding-DNA position 4063, G replaced by T.
Protein change: p.Glu1355Ter; replaces glutamic acid 1355 with a stop codon.
Molecular consequence: nonsense.
Genome position (GRCh38, 1-based): chr14:64,782,493, C>A on the plus strand (G>T on the coding strand, the complement: SPTB is on the minus strand). VCF-style: chr14-64782493-C-A. GRCh37 (hg19) VCF-style: chr14-65249211-C-A.
Other names: c.4063G>T, p.Glu1355Ter (NM_001024858.4, NM_001355437.2); short protein forms E1355*.
Identifiers: ClinVar variation 624571 (VCV000624571.2), dbSNP rs1566754467, ClinGen allele CA390045083.

ClinVar aggregate classification (germline): Pathogenic (1 of 4 stars; one submission).

Conditions:
Hereditary spherocytosis (SPH). Also called: Congenital spherocytic hemolytic anemia; Congenital spherocytosis. Identifiers: Orphanet 822, MedGen C0037889, MONDO:0019350. Disease mechanism: loss of function.

Submission:

MVZ Dr. Eberhard & Partner Dortmund
Classification: Pathogenic for Hereditary spherocytosis. Last evaluated: 2018-12-04. Review status: criteria provided, single submitter. Criteria: ACMG Guidelines, 2015. Collection method: clinical testing. Allele origin: unknown. Affected: yes. Observed: 1 heterozygote.
Comment: This nonsense mutation generates a premature termination codon (Glu1355*) which should lead to NMD. The mutation might affect splicing by an alternative donor site. This would lead to a frameshift and a premature termination codon, too. Nonsense mutations further downstream in SPTB are reported in HGMD.